The following is an entry in ClinVar:

NM_001042545.2(LTBP4):c.3261T>C (p.Val1087=)

Gene: LTBP4 (latent transforming growth factor beta binding protein 4; plus strand). Cytogenetic location: 19q13.2.
Variant type: single nucleotide variant.
Coding change: c.3261T>C on transcript NM_001042545.2 (MANE Select); coding-DNA position 3261, T replaced by C.
Protein change: p.Val1087=; no amino-acid change (valine 1087 retained).
Molecular consequence: synonymous variant.
Genome position (GRCh38, 1-based): chr19:40,622,444, T>C. VCF-style: chr19-40622444-T-C. GRCh37 (hg19) VCF-style: chr19-41128349-T-C.
Other names: c.3462T>C, p.Val1154= (NM_001042544.1); c.3351T>C, p.Val1117= (NM_003573.2).
Identifiers: ClinVar variation 4983706 (VCV004983706.1).

ClinVar aggregate classification (germline): Likely benign (1 of 4 stars; one submission).

Conditions:
LTBP4-related disorder. Also called: LTBP4-related condition.

Submission:

PreventionGenetics, part of Exact Sciences
Classification: Likely benign for LTBP4-related condition. Last evaluated: 2026-03-04. Review status: criteria provided, single submitter. Criteria: ACMG Guidelines, 2015. Collection method: clinical testing. Allele origin: germline.
Comment: This variant is classified as likely benign based on ACMG/AMP sequence variant interpretation guidelines (Richards et al. 2015 PMID: 25741868, with internal and published modifications).